The following is an entry in ClinVar:

NM_138348.6(OTULIN):c.72_92del (p.Glu24_Arg30del)

Gene: OTULIN (OTU deubiquitinase with linear linkage specificity; plus strand). Cytogenetic location: 5p15.2.
Variant type: Deletion.
Coding change: c.72_92del on transcript NM_138348.6 (MANE Select); coding-DNA positions 72 to 92, 21 bases deleted (GGCGGCGGCCACGGCGCGGGA).
Protein change: p.Glu24_Arg30del.
Molecular consequence: inframe deletion.
Genome position (GRCh38, 1-based): chr5:14,664,897-14,664,917, GGCGGCGGCCACGGCGCGGGA deleted; deleting any 21 consecutive bases within chr5:14,664,887-14,664,917 gives the same sequence; the c. name uses the placement nearest the transcript's 3' end. VCF-style (leftmost placement, unchanged base first): chr5-14664886-CCGGCGCGGGAGGCGGCGGCCA-C. GRCh37 (hg19) VCF-style: chr5-14664995-CCGGCGCGGGAGGCGGCGGCCA-C.
Other names: c.72_92del21 (NM_138348.6).
Identifiers: ClinVar variation 1165553 (VCV001165553.11), dbSNP rs199656228, ClinGen allele CA3208505.

ClinVar aggregate classification (germline): Benign/Likely benign. Review status: criteria provided, multiple submitters, no conflicts (2 of 4 stars). 3 submissions from 3 submitters: Benign (1); Likely benign (2). Last evaluated 2026-02-03.

Submissions (3):

Labcorp Genetics (formerly Invitae), Labcorp
Classification: Benign. Last evaluated: 2026-02-03. Review status: criteria provided, single submitter. Criteria: Invitae Variant Classification Sherloc (09022015). Collection method: clinical testing. Allele origin: germline.

Women's Health and Genetics/Laboratory Corporation of America, LabCorp
Classification: Likely benign. Last evaluated: 2026-01-29. Review status: criteria provided, single submitter. Criteria: LabCorp Variant Classification Summary - May 2015. Collection method: clinical testing. Allele origin: germline.
Comment: Variant summary: OTULIN c.72_92del21 (p.Glu24_Arg30del) results in an in-frame deletion that is predicted to remove seven amino acids from the encoded protein. The variant allele was found at a frequency of 0.027 in 31484 control chromosomes in the gnomAD database, including 30 homozygotes. The observed variant frequency exceeds the estimated maximal expected allele frequency for disease-causing variants in OTULIN. To our knowledge, no occurrence of c.72_92del21 in individuals affected with OTULIN-related conditions and no experimental evidence demonstrating its impact on protein function have been reported. ClinVar contains an entry for this variant (Variation ID: 1165553). Based on the evidence outlined above, the variant was classified as likely benign.

Blueprint Genetics
Classification: Likely benign. Last evaluated: 2024-11-26. Review status: criteria provided, single submitter. Criteria: ACMG Guidelines, 2015. Collection method: clinical testing. Allele origin: germline.